The following is an entry in ClinVar:

NM_144997.7(FLCN):c.1178C>T (p.Thr393Ile)

Gene: FLCN (folliculin; minus strand). Cytogenetic location: 17p11.2.
Variant type: single nucleotide variant.
Coding change: c.1178C>T on transcript NM_144997.7 (MANE Select); coding-DNA position 1178, C replaced by T.
Protein change: p.Thr393Ile; replaces threonine 393 with isoleucine.
Molecular consequence: missense variant.
Genome position (GRCh38, 1-based): chr17:17,216,502, G>A on the plus strand (C>T on the coding strand, the complement: FLCN is on the minus strand). VCF-style: chr17-17216502-G-A. GRCh37 (hg19) VCF-style: chr17-17119816-G-A.
Other names: c.1232C>T, p.Thr411Ile (NM_001353229.2); c.1178C>T, p.Thr393Ile (NM_001353230.2, NM_001353231.2); short protein forms T411I, T393I.
Identifiers: ClinVar variation 5021871 (VCV005021871.1).

ClinVar aggregate classification (germline): Uncertain significance (1 of 4 stars; one submission).

Conditions:
Hereditary cancer-predisposing syndrome. Also called: Neoplastic Syndromes, Hereditary; Tumor predisposition; Hereditary neoplastic syndrome; Hereditary Cancer Syndrome. Identifiers: Orphanet 140162, MedGen C0027672, MeSH D009386, MONDO:0015356.

Submission:

Ambry Genetics
Classification: Uncertain significance for Hereditary cancer-predisposing syndrome. Last evaluated: 2026-08-09. Review status: criteria provided, single submitter. Criteria: Ambry Variant Classification Scheme 2023. Collection method: clinical testing. Allele origin: germline.
Comment: The p.T393I variant (also known as c.1178C>T), located in coding exon 8 of the FLCN gene, results from a C to T substitution at nucleotide position 1178. The threonine at codon 393 is replaced by isoleucine, an amino acid with similar properties. This amino acid position is conserved. In addition, the in silico prediction for this alteration is inconclusive. Based on the available evidence, the clinical significance of this variant remains unclear.